The following is an entry in ClinVar:

NM_002691.4(POLD1):c.1244T>C (p.Val415Ala)

Gene: POLD1 (DNA polymerase delta 1, catalytic subunit; plus strand). Cytogenetic location: 19q13.33.
Variant type: single nucleotide variant.
Coding change: c.1244T>C on transcript NM_002691.4 (MANE Select); coding-DNA position 1244, T replaced by C.
Protein change: p.Val415Ala; replaces valine 415 with alanine.
Molecular consequence: missense variant. On other transcripts: non-coding transcript variant (1).
Genome position (GRCh38, 1-based): chr19:50,406,183, T>C. VCF-style: chr19-50406183-T-C. GRCh37 (hg19) VCF-style: chr19-50909440-T-C.
Other names: c.1244T>C, p.Val415Ala (NM_001256849.1, NM_001308632.1); short protein forms V415A.
Identifiers: ClinVar variation 962911 (VCV000962911.9), dbSNP rs2038870803, ClinGen allele CA406979675.

ClinVar aggregate classification (germline): Uncertain significance (1 of 4 stars; one submission).

Conditions:
POLD1-related polyposis and colorectal cancer syndrome (CRCS10). Also called: Colorectal cancer 10; COLORECTAL CANCER, SUSCEPTIBILITY TO, ON CHROMOSOME 19q; Colorectal cancer, susceptibility to, 10. Identifiers: Orphanet 220460, MedGen C2675481, MONDO:0012953, OMIM 612591.

Submission:

Labcorp Genetics (formerly Invitae), Labcorp
Classification: Uncertain significance for POLD1-related polyposis and colorectal cancer syndrome. Last evaluated: 2019-11-04. Review status: criteria provided, single submitter. Criteria: Invitae Variant Classification Sherloc (09022015). Collection method: clinical testing. Allele origin: germline.
Comment: This sequence change replaces valine with alanine at codon 415 of the POLD1 protein (p.Val415Ala). The valine residue is highly conserved and there is a small physicochemical difference between valine and alanine. This variant is not present in population databases (ExAC no frequency). Algorithms developed to predict the effect of missense changes on protein structure and function are either unavailable or do not agree on the potential impact of this missense change (SIFT: "Deleterious"; PolyPhen-2: "Possibly Damaging"; Align-GVGD: "Class C0"). In summary, the available evidence is currently insufficient to determine the role of this variant in disease. Therefore, it has been classified as a Variant of Uncertain Significance. This variant has not been reported in the literature in individuals with POLD1-related conditions.